The following is an entry in ClinVar:

ClinVar aggregate classification (germline): Benign. Review status: criteria provided, multiple submitters, no conflicts (2 of 4 stars). 7 submissions from 7 submitters: Benign (6). 1 of the submissions does not count toward it. Last evaluated 2026-02-04.

Conditions:
LARS2-related disorder. Also called: LARS2-related condition.

Allele frequency attached by ClinVar (database versions not stated): gnomAD exomes 0.00054 and 0.00141; ExAC 0.00192; gnomAD 0.00508 and 0.00549; TOPMed 0.00591; ESP Exome Variant Server 0.00677; 1000 Genomes Project 0.00759; 1000 Genomes Project 30x 0.00890.
gnomAD v4.1: 1,587 of 1,613,874 alleles (0.098%); highest among the groups gnomAD compares: African/African-American, 1.8%; 15 homozygotes.

Submissions (7):

Labcorp Genetics (formerly Invitae), Labcorp
Classification: Benign. Last evaluated: 2026-02-04. Review status: criteria provided, single submitter. Criteria: Invitae Variant Classification Sherloc (09022015). Collection method: clinical testing. Allele origin: germline.

Mayo Clinic Laboratories, Mayo Clinic
Classification: Benign. Last evaluated: 2024-10-24. Review status: criteria provided, single submitter. Criteria: ACMG Guidelines, 2015. Collection method: clinical testing. Allele origin: germline. Observed: 4 variant alleles.
Comment: BA1, BS2

ARUP Laboratories, Molecular Genetics and Genomics, ARUP Laboratories
Classification: Benign. Last evaluated: 2023-11-06. Review status: criteria provided, single submitter. Criteria: ARUP Molecular Germline Variant Investigation Process 2024. Collection method: clinical testing. Allele origin: germline.

GeneDx
Classification: Benign. Last evaluated: 2017-10-24. Review status: criteria provided, single submitter. Criteria: GeneDx Variant Classification (06012015). Collection method: clinical testing. Allele origin: germline. Affected: yes.
Comment: This variant is considered likely benign or benign based on one or more of the following criteria: it is a conservative change, it occurs at a poorly conserved position in the protein, it is predicted to be benign by multiple in silico algorithms, and/or has population frequency not consistent with disease.

Laboratory for Molecular Medicine, Mass General Brigham Personalized Medicine
Classification: Benign. Last evaluated: 2014-11-24. Review status: criteria provided, single submitter. Criteria: LMM Criteria. Collection method: clinical testing. Allele origin: germline. Observed: 6 variant alleles.
Comment: Leu8Leu in exon 3 of LARS2: This variant is not expected to have clinical signif icance because it does not alter an amino acid residue and is not located within the splice consensus sequence. It has been identified in 2.0% (87/4406) of Afri can American chromosomes from a broad population by the NHLBI Exome Sequencing P roject (dbSNP rs77377258).

Breakthrough Genomics
Classification: Benign. Review status: criteria provided, single submitter. Criteria: ACMG Guidelines, 2015. Collection method: not provided. Allele origin: germline. Inheritance: Autosomal recessive inheritance. Affected: yes.

PreventionGenetics, part of Exact Sciences
Classification: Benign for LARS2-related condition. Last evaluated: 2019-09-04. Review status: no assertion criteria provided. Collection method: clinical testing. Allele origin: germline. Not counted in ClinVar's aggregate classification.
Comment: This variant is classified as benign based on ACMG/AMP sequence variant interpretation guidelines (Richards et al. 2015 PMID: 25741868, with internal and published modifications).

NM_015340.4(LARS2):c.22T>C (p.Leu8=)

Gene: LARS2 (leucyl-tRNA synthetase 2, mitochondrial; plus strand). Cytogenetic location: 3p21.31.
Variant type: single nucleotide variant.
Coding change: c.22T>C on transcript NM_015340.4 (MANE Select); coding-DNA position 22, T replaced by C.
Protein change: p.Leu8=; no amino-acid change (leucine 8 retained).
Molecular consequence: synonymous variant.
Genome position (GRCh38, 1-based): chr3:45,394,475, T>C. VCF-style: chr3-45394475-T-C. GRCh37 (hg19) VCF-style: chr3-45435967-T-C.
Other names: p.Leu8=; c.22T>C, p.Leu8= (NM_001368263.1).
Identifiers: ClinVar variation 226702 (VCV000226702.17), dbSNP rs77377258, ClinGen allele CA2349188.